The following is an entry in ClinVar:

ClinVar aggregate classification (germline): Uncertain significance. Review status: criteria provided, multiple submitters, no conflicts (2 of 4 stars). 2 submissions from 2 submitters: Uncertain significance (2). Last evaluated 2024-04-15.

Conditions:
Hereditary cancer-predisposing syndrome. Also called: Neoplastic Syndromes, Hereditary; Tumor predisposition; Hereditary neoplastic syndrome; Hereditary Cancer Syndrome. Identifiers: Orphanet 140162, MedGen C0027672, MeSH D009386, MONDO:0015356.

gnomAD v4.1: 1 of 1,614,224 alleles (0.000062%); highest among the groups gnomAD compares: African/African-American, 0.0013%; no homozygotes.

Submissions (2):

Ambry Genetics
Classification: Uncertain significance for Hereditary cancer-predisposing syndrome. Last evaluated: 2024-04-15. Review status: criteria provided, single submitter. Criteria: Ambry Variant Classification Scheme 2023. Collection method: clinical testing. Allele origin: germline.
Comment: The p.E336G variant (also known as c.1007A>G), located in coding exon 6 of the CTNNA1 gene, results from an A to G substitution at nucleotide position 1007. The glutamic acid at codon 336 is replaced by glycine, an amino acid with similar properties. This amino acid position is conserved. In addition, the in silico prediction for this alteration is inconclusive. Based on the available evidence, the clinical significance of this variant remains unclear.

Labcorp Genetics (formerly Invitae), Labcorp
Classification: Uncertain significance. Last evaluated: 2021-12-15. Review status: criteria provided, single submitter. Criteria: Invitae Variant Classification Sherloc (09022015). Collection method: clinical testing. Allele origin: germline.
Comment: In summary, the available evidence is currently insufficient to determine the role of this variant in disease. Therefore, it has been classified as a Variant of Uncertain Significance. Algorithms developed to predict the effect of missense changes on protein structure and function are either unavailable or do not agree on the potential impact of this missense change (SIFT: "Deleterious"; PolyPhen-2: "Possibly Damaging"; Align-GVGD: "Class C0"). This variant has not been reported in the literature in individuals affected with CTNNA1-related conditions. This variant is not present in population databases (gnomAD no frequency). This sequence change replaces glutamic acid, which is acidic and polar, with glycine, which is neutral and non-polar, at codon 336 of the CTNNA1 protein (p.Glu336Gly).

NM_001903.5(CTNNA1):c.1007A>G (p.Glu336Gly)

Gene: CTNNA1 (catenin alpha 1; plus strand). Cytogenetic location: 5q31.2.
Variant type: single nucleotide variant.
Coding change: c.1007A>G on transcript NM_001903.5 (MANE Select); coding-DNA position 1007, A replaced by G.
Protein change: p.Glu336Gly; replaces glutamic acid 336 with glycine.
Molecular consequence: missense variant.
Genome position (GRCh38, 1-based): chr5:138,827,663, A>G. VCF-style: chr5-138827663-A-G. GRCh37 (hg19) VCF-style: chr5-138163352-A-G.
Other names: c.1007A>G (NM_001903.2); c.1007A>G, p.Glu336Gly (NM_001290307.3, NM_001323982.2, NM_001323983.1 and 3 more transcripts); c.698A>G, p.Glu233Gly (NM_001290309.3); c.638A>G, p.Glu213Gly (NM_001290310.3); short protein forms E233G, E336G, E213G.
Identifiers: ClinVar variation 1355997 (VCV001355997.7), dbSNP rs2149785951, ClinGen allele CA361131142.
Genomic context (GRCh38, chr5:138,827,663, plus strand): 5'-CTGCCTTGATGGCCGACTCGTCCTGCACGCGTGATGACCGTCGTGAGCGAATTGTGGCAG[A>G]GTGTAATGCTGTCCGCCAGGCCCTGCAGGACCTGCTTTCGGAGTACATGGGCAATGTGAG-3'
Protein context (NP_001894.2, residues 326-346): RDDRRERIVA[Glu336Gly]CNAVRQALQD